The following is an entry in ClinVar:

ClinVar aggregate classification (germline): Pathogenic/Likely pathogenic. Review status: criteria provided, multiple submitters, no conflicts (2 of 4 stars). 3 submissions from 3 submitters: Pathogenic (2); Likely pathogenic (1). Last evaluated 2025-05-24.

Conditions:
Epidermolysis bullosa dystrophica. Also called: Dystrophic epidermolysis bullosa, Hallopeau-Siemens type (formerly); Dystrophic epidermolysis bullosa. Identifiers: Orphanet 303, MedGen C0079294, MONDO:0006543.

gnomAD v4.1: 2 of 1,614,182 alleles (0.00012%); highest among the groups gnomAD compares: Non-Finnish European, 0.00017%; no homozygotes.

Submissions (3):

Labcorp Genetics (formerly Invitae), Labcorp
Classification: Pathogenic. Last evaluated: 2025-05-24. Review status: criteria provided, single submitter. Criteria: Invitae Variant Classification Sherloc (09022015). Collection method: clinical testing. Allele origin: germline.
Comment: This sequence change replaces glycine, which is neutral and non-polar, with valine, which is neutral and non-polar, at codon 2366 of the COL7A1 protein (p.Gly2366Val). This variant is not present in population databases (gnomAD no frequency). This missense change has been observed in individual(s) with autosomal recessive dystrophic epidermolysis bullosa (RDEB) (PMID: 24213372, 30011071). This variant has been reported in individual(s) with autosomal dominant epidermolysis bullosa (PMID: 15115517, 32484238); however, the role of the variant in this condition is currently unclear. ClinVar contains an entry for this variant (Variation ID: 2502782). Invitae Evidence Modeling of protein sequence and biophysical properties (such as structural, functional, and spatial information, amino acid conservation, physicochemical variation, residue mobility, and thermodynamic stability) indicates that this missense variant is expected to disrupt COL7A1 protein function with a positive predictive value of 95%. This variant disrupts the triple helix domain of COL7A1. Glycine residues within the Gly-Xaa-Yaa repeats of the triple helix domain are required for the structure and stability of fibrillar collagens (PMID: 7695699, 8218237, 19344236), and variants at these glycine residues in COL7A1 are more frequently observed in individuals with disease than in the general population (PMID: 22058051). However, the clinical significance of this observation remains uncertain since only a limited number of affected individuals have been described to date. This variant disrupts the p.Gly2366 amino acid residue in COL7A1. Other variant(s) that disrupt this residue have been determined to be pathogenic (PMID: 21196708). This suggests that this residue is clinically significant, and that variants that disrupt this residue are likely to be disease-causing. For these reasons, this variant has been classified as Pathogenic.

Natera, Inc.
Classification: Likely pathogenic for Dystrophic epidermolysis bullosa. Last evaluated: 2025-01-17. Review status: criteria provided, single submitter. Criteria: Natera Variant Classification Schema (03/2026). Collection method: clinical testing. Allele origin: germline.
Comment: The c.7097G>T variant in COL7A1 is a missense variant predicted to cause substitution of glycine to valine at amino acid 2366. This variant is rare in the general population with a frequency below the threshold expected for the associated phenotype(s). This variant has been observed in one or more individuals affected with the associated recessive disease, as either homozygous or compound heterozygous with a second variant (PMID: 30011071, 24213372). This variant has been observed to segregate in affected family members (PMID: 30011071, 15115517). Computational prediction algorithms indicate this variant is likely to affect gene or protein function. Given the available evidence, this variant is classified as Likely Pathogenic.

GeneDx
Classification: Pathogenic. Last evaluated: 2022-11-18. Review status: criteria provided, single submitter. Criteria: GeneDx Variant Classification Process June 2021. Collection method: clinical testing. Allele origin: germline. Affected: yes.
Comment: Observed with a second COL7A1 variant in an additional patient with RDEB in published literature (Woodley et al., 2014); Located in the highly conserved Gly-X-Y repeat of the collagenous domain; Glycine substitution variants in this region of the COLVII protein destabilize the collagen triple helix resulting in skin fragility due to poor anchoring of the basement membrane to the underlying dermis (Pfendner and Lucky, 2018); Not observed at significant frequency in large population cohorts (gnomAD); In silico analysis supports that this missense variant has a deleterious effect on protein structure/function; This variant is associated with the following publications: (PMID: 24213372, 16189623, 15115517, 32484238, 25525159, 18558993, 21448560, 35314946, 21269315, 23688405, 21879237, 30011071)

Literature cited by the submitters: PubMed 24213372 (cited by Labcorp Genetics (formerly Invitae), Labcorp and Natera, Inc.); PubMed 30011071 (cited by Labcorp Genetics (formerly Invitae), Labcorp and Natera, Inc.); PubMed 15115517 (cited by Labcorp Genetics (formerly Invitae), Labcorp and Natera, Inc.); PubMed 32484238 (cited by Labcorp Genetics (formerly Invitae), Labcorp); PubMed 7695699 (cited by Labcorp Genetics (formerly Invitae), Labcorp); PubMed 8218237 (cited by Labcorp Genetics (formerly Invitae), Labcorp); PubMed 19344236 (cited by Labcorp Genetics (formerly Invitae), Labcorp); PubMed 22058051 (cited by Labcorp Genetics (formerly Invitae), Labcorp); PubMed 21196708 (cited by Labcorp Genetics (formerly Invitae), Labcorp).

NM_000094.4(COL7A1):c.7097G>T (p.Gly2366Val)

Gene: COL7A1 (collagen type VII alpha 1 chain; minus strand). Cytogenetic location: 3p21.31.
Variant type: single nucleotide variant.
Coding change: c.7097G>T on transcript NM_000094.4 (MANE Select); coding-DNA position 7097, G replaced by T.
Protein change: p.Gly2366Val; replaces glycine 2366 with valine.
Molecular consequence: missense variant.
Genome position (GRCh38, 1-based): chr3:48,571,250, C>A on the plus strand (G>T on the coding strand, the complement: COL7A1 is on the minus strand). VCF-style: chr3-48571250-C-A. GRCh37 (hg19) VCF-style: chr3-48608683-C-A.
Other names: short protein forms G2366V.
Identifiers: ClinVar variation 2502782 (VCV002502782.3), dbSNP rs2043899331, ClinGen allele CA352651442.